The following is an entry in ClinVar:

NM_002691.4(POLD1):c.1539G>A (p.Leu513=)

Gene: POLD1 (DNA polymerase delta 1, catalytic subunit; plus strand). Cytogenetic location: 19q13.33.
Variant type: single nucleotide variant.
Coding change: c.1539G>A on transcript NM_002691.4 (MANE Select); coding-DNA position 1539, G replaced by A.
Protein change: p.Leu513=; no amino-acid change (leucine 513 retained).
Molecular consequence: synonymous variant. On other transcripts: non-coding transcript variant (1).
Genome position (GRCh38, 1-based): chr19:50,407,027, G>A. VCF-style: chr19-50407027-G-A. GRCh37 (hg19) VCF-style: chr19-50910284-G-A.
Other names: p.Leu513=; c.1539G>A, p.Leu513= (NM_001256849.1, NM_001308632.1).
Identifiers: ClinVar variation 380636 (VCV000380636.36), dbSNP rs2230246, ClinGen allele CA9596169.

ClinVar aggregate classification (germline): Benign. Review status: criteria provided, multiple submitters, no conflicts (2 of 4 stars). 19 submissions from 19 submitters: Benign (13). 6 of the submissions do not count toward it. Last evaluated 2026-02-04.

Conditions:
Carcinoma of colon (CRC). Also called: Colon carcinoma; Colonic carcinoma. Identifiers: MedGen C0699790, MONDO:0002032.
Hereditary cancer-predisposing syndrome. Also called: Neoplastic Syndromes, Hereditary; Hereditary neoplastic syndrome; Hereditary Cancer Syndrome; Tumor predisposition. Identifiers: Orphanet 140162, MedGen C0027672, MeSH D009386, MONDO:0015356.
POLD1-related polyposis and colorectal cancer syndrome (CRCS10). Also called: Colorectal cancer, susceptibility to, 10; Colorectal cancer 10; COLORECTAL CANCER, SUSCEPTIBILITY TO, ON CHROMOSOME 19q. Identifiers: Orphanet 220460, MedGen C2675481, MONDO:0012953, OMIM 612591.

Allele frequency attached by ClinVar (database versions not stated): gnomAD exomes 0.00422 and 0.01128; ExAC 0.01362; gnomAD 0.04203 and 0.04513; 1000 Genomes Project 0.04752; TOPMed 0.04805; ESP Exome Variant Server 0.04875; 1000 Genomes Project 30x 0.05122.
gnomAD v4.1: 12,869 of 1,613,336 alleles (0.8%); highest among the groups gnomAD compares: African/African-American, 15%; 852 homozygotes.

Submissions (19):

Labcorp Genetics (formerly Invitae), Labcorp
Classification: Benign for POLD1-related polyposis and colorectal cancer syndrome. Last evaluated: 2026-02-04. Review status: criteria provided, single submitter. Criteria: Invitae Variant Classification Sherloc (09022015). Collection method: clinical testing. Allele origin: germline.

GeneKor MSA
Classification: Benign for Hereditary cancer-predisposing syndrome. Last evaluated: 2025-07-10. Review status: criteria provided, single submitter. Criteria: ACMG Guidelines, 2015. Collection method: clinical testing. Allele origin: germline.

Center for Genomic Medicine, Rigshospitalet, Copenhagen University Hospital
Classification: Benign. Last evaluated: 2025-03-04. Review status: criteria provided, single submitter. Criteria: ACMG Guidelines, 2015. Collection method: clinical testing. Allele origin: germline.

Myriad Genetics, Inc.
Classification: Benign for POLD1-related polyposis and colorectal cancer syndrome. Last evaluated: 2025-02-06. Review status: criteria provided, single submitter. Criteria: Myriad Autosomal Dominant, Autosomal Recessive and X-Linked Classification Criteria (2023). Collection method: clinical testing. Allele origin: unknown.
Comment: This variant is considered benign. This variant is a silent/synonymous amino acid change and it is not expected to impact splicing.

Institute for Biomarker Research, Medical Diagnostic Laboratories, L.L.C.
Classification: Benign for Hereditary cancer-predisposing syndrome. Last evaluated: 2025-01-20. Review status: criteria provided, single submitter. Criteria: ACMG Guidelines, 2015. Collection method: clinical testing. Allele origin: germline.
Comment: The synonymous variant NM_001308632.1(POLD1):c.1539G>A (p.Leu513=) has been reported to ClinVar as Benign with a status of (2 stars) criteria provided, multiple submitters, no conflicts (Variation ID 380636 as of 2025-01-02). The p.Leu513= variant is observed in 238/5,008 (4.7524%) alleles from individuals of 1kG All background in 1kG, indicating it is a common benign variant. The p.Leu513= variant is not predicted to disrupt an existing splice site. The p.Leu513= variant results in a substitution of a base that is not predicted conserved by GERP++ and PhyloP. For these reasons, this variant has been classified as Benign

KCCC/NGS Laboratory, Kuwait Cancer Control Center
Classification: Benign for POLD1-related polyposis and colorectal cancer syndrome. Last evaluated: 2023-07-07. Review status: criteria provided, single submitter. Criteria: ACMG Guidelines, 2015. Collection method: clinical testing. Allele origin: germline. Affected: yes.

Mayo Clinic Laboratories, Mayo Clinic
Classification: Benign. Last evaluated: 2021-05-06. Review status: criteria provided, single submitter. Criteria: ACMG Guidelines, 2015. Collection method: clinical testing. Allele origin: germline. Observed: 7 variant alleles.

Quest Diagnostics Nichols Institute San Juan Capistrano
Classification: Benign. Last evaluated: 2020-08-10. Review status: criteria provided, single submitter. Criteria: Quest Diagnostics criteria. Collection method: clinical testing. Allele origin: unknown.

PreventionGenetics, part of Exact Sciences
Classification: Benign. Last evaluated: 2016-12-06. Review status: criteria provided, single submitter. Criteria: ACMG Guidelines, 2015. Collection method: clinical testing. Allele origin: germline.

Women's Health and Genetics/Laboratory Corporation of America, LabCorp
Classification: Benign. Last evaluated: 2016-05-18. Review status: criteria provided, single submitter. Criteria: LabCorp Variant Classification Summary - May 2015. Collection method: clinical testing. Allele origin: germline.
Comment: Variant summary: The POLD1 c.1539G>A (p.Leu513Leu) variant involves the alteration of a non-conserved nucleotide, resulting in a synonymous change. 5/5 splice prediction tools predict no significant impact on normal splicing. This variant was found in 1638/120246 control chromosomes (including 116 homozygotes), predominantly observed in the African subpopulation at a frequency of 0.1437984 (1484/10320). This frequency is about 10123 times the estimated maximal expected allele frequency of a pathogenic POLD1 variant (0.0000142), suggesting this is a common benign polymorphism found primarily in the populations of African. Taken together, this variant is classified as Benign.

GeneDx
Classification: Benign. Last evaluated: 2015-11-13. Review status: criteria provided, single submitter. Criteria: GeneDx Variant Classification (06012015). Collection method: clinical testing. Allele origin: germline. Affected: yes.
Comment: This variant is considered likely benign or benign based on one or more of the following criteria: it is a conservative change, it occurs at a poorly conserved position in the protein, it is predicted to be benign by multiple in silico algorithms, and/or has population frequency not consistent with disease.

Ambry Genetics
Classification: Benign for Hereditary cancer-predisposing syndrome. Last evaluated: 2015-05-20. Review status: criteria provided, single submitter. Criteria: Ambry Variant Classification Scheme 2023. Collection method: clinical testing. Allele origin: germline.

Breakthrough Genomics
Classification: Benign. Review status: criteria provided, single submitter. Criteria: ACMG Guidelines, 2015. Collection method: not provided. Allele origin: germline. Inheritance: Autosomal dominant inheritance. Affected: yes.

True Health Diagnostics
Classification: Likely benign for Hereditary cancer-predisposing syndrome. Last evaluated: 2017-10-25. Review status: no assertion criteria provided. Collection method: clinical testing. Allele origin: germline. Not counted in ClinVar's aggregate classification.

Clinical Genetics, Academic Medical Center
Classification: Benign. Review status: no assertion criteria provided. Collection method: clinical testing. Allele origin: germline. Affected: yes. Study: VKGL Data-share Consensus. Not counted in ClinVar's aggregate classification.

Department of Pathology and Laboratory Medicine, Sinai Health System
Classification: Benign for Carcinoma of colon. Review status: no assertion criteria provided. Collection method: clinical testing. Allele origin: unknown. Affected: yes. Study: The Canadian Open Genetics Repository (COGR). Not counted in ClinVar's aggregate classification.
Comment: The POLD1 p.Leu513= variant was identified in dbSNP (ID: rs2230246) â€šÃ„ÃºWith Benign alleleâ€šÃ„Ã¹, and in control databases in 3896 (256 homozygous) of 276006 chromosomes at a frequency of 0.01 increasing the likelihood this could be a low frequency benign variant (Genome Aggregation Database Feb 27, 2017). Breakdown of the observations by population include African in 3409 (250 homozygous) of 23968 chromosomes (freq: 0.14), Other in 42 of 6446 chromosomes (freq: 0.007), Latino in 328 (5 homozygous) of 34406 chromosomes (freq: 0.01), European Non-Finnish in 76 (1 homozygous) of 125746 chromosomes (freq: 0.0006), Ashkenazi Jewish in 32 of 10128 chromosomes (freq: 0.003), and South Asian in 9 of 30774 chromosomes (freq: 0.0003), while not observed in the East Asian and European Finnish populations. The p.Leu513= variant is not expected to have clinical significance because it does not result in a change of amino acid and is not located in a known consensus splice site. In addition, in silico or computational prediction software programs (SpliceSiteFinder, MaxEntScan, NNSPLICE, GeneSplicer, HumanSpliceFinder) do not predict a difference in splicing. In summary, based on the above information this variant meets our laboratory's criteria to be classified as benign.

Genome Diagnostics Laboratory, Amsterdam University Medical Center
Classification: Benign. Review status: no assertion criteria provided. Collection method: clinical testing. Allele origin: germline. Affected: yes. Study: VKGL Data-share Consensus. Not counted in ClinVar's aggregate classification.

Joint Genome Diagnostic Labs from Nijmegen and Maastricht, Radboudumc and MUMC+
Classification: Benign. Review status: no assertion criteria provided. Collection method: clinical testing. Allele origin: germline. Affected: yes. Study: VKGL Data-share Consensus. Not counted in ClinVar's aggregate classification.

Laboratory of Diagnostic Genome Analysis, Leiden University Medical Center (LUMC)
Classification: Benign. Review status: no assertion criteria provided. Collection method: clinical testing. Allele origin: germline. Affected: yes. Study: VKGL Data-share Consensus. Not counted in ClinVar's aggregate classification.